The following is an entry in ClinVar:

NM_001041.4(SI):c.1211C>T (p.Ala404Val)

Gene: SI (sucrase-isomaltase; minus strand). Cytogenetic location: 3q26.1.
Variant type: single nucleotide variant.
Coding change: c.1211C>T on transcript NM_001041.4 (MANE Select); coding-DNA position 1211, C replaced by T.
Protein change: p.Ala404Val; replaces alanine 404 with valine.
Molecular consequence: missense variant.
Genome position (GRCh38, 1-based): chr3:165,059,235, G>A on the plus strand (C>T on the coding strand, the complement: SI is on the minus strand). VCF-style: chr3-165059235-G-A. GRCh37 (hg19) VCF-style: chr3-164777023-G-A.
Other names: short protein forms A404V.
Identifiers: ClinVar variation 1962204 (VCV001962204.3), dbSNP rs202151060, ClinGen allele CA2691143.
Genomic context (GRCh38, chr3:165,059,235, plus strand): 5'-ATGACATATTTCTGTCCATGGTCATGCAAATCTTGCACAAATTGAGGGAGTCCGTTAAAC[G>A]CAACTTGATCATAAGTAAAGTCTTTCTTGTCTTCCATGTAGTCAATATCAGTGACCTGTG-3'
Protein context (NP_001032.2, residues 394-414): DKKDFTYDQV[Ala404Val]FNGLPQFVQD

ClinVar aggregate classification (germline): Uncertain significance. Review status: criteria provided, multiple submitters, no conflicts (2 of 4 stars). 2 submissions from 2 submitters: Uncertain significance (2). Last evaluated 2024-05-03.

Conditions:
Sucrase-isomaltase deficiency (CSID). Also called: Congenital sucrose isomaltose malabsorption; Sucrose isomaltose enzyme deficiency; Deficiency of isomaltase; SI DEFICIENCY. Identifiers: Orphanet 35122, MedGen C1283620, MONDO:0009114, OMIM 222900.

gnomAD v4.1: 26 of 1,612,482 alleles (0.0016%); highest among the groups gnomAD compares: South Asian, 0.022%; no homozygotes.

Submissions (2):

Fulgent Genetics
Classification: Uncertain significance for Sucrase-isomaltase deficiency. Last evaluated: 2024-05-03. Review status: criteria provided, single submitter. Criteria: ACMG Guidelines, 2015. Collection method: clinical testing. Allele origin: germline.

Labcorp Genetics (formerly Invitae), Labcorp
Classification: Uncertain significance. Last evaluated: 2022-06-09. Review status: criteria provided, single submitter. Criteria: Invitae Variant Classification Sherloc (09022015). Collection method: clinical testing. Allele origin: germline.
Comment: This sequence change replaces alanine, which is neutral and non-polar, with valine, which is neutral and non-polar, at codon 404 of the SI protein (p.Ala404Val). This variant is present in population databases (rs202151060, gnomAD 0.01%). This variant has not been reported in the literature in individuals affected with SI-related conditions. Advanced modeling of protein sequence and biophysical properties (such as structural, functional, and spatial information, amino acid conservation, physicochemical variation, residue mobility, and thermodynamic stability) performed at Invitae indicates that this missense variant is not expected to disrupt SI protein function. In summary, the available evidence is currently insufficient to determine the role of this variant in disease. Therefore, it has been classified as a Variant of Uncertain Significance.